The following is an entry in ClinVar:

ClinVar aggregate classification (germline): Benign/Likely benign. Review status: criteria provided, multiple submitters, no conflicts (2 of 4 stars). 2 submissions from 2 submitters: Benign (1); Likely benign (1). Last evaluated 2024-10-21.

Conditions:
Hereditary leiomyomatosis and renal cell cancer. Also called: MULTIPLE CUTANEOUS AND UTERINE LEIOMYOMATA 1, WITH OR WITHOUT RENAL CELL CARCINOMA; LEIOMYOMA, MULTIPLE CUTANEOUS; Reed syndrome; Multiple cutaneous and uterine leiomyomatosis; Cutaneous leiomyomata with uterine leiomyomata; Leiomyoma, hereditary multiple, of skin. Identifiers: Orphanet 523, MedGen C1708350, MONDO:0007888, OMIM 150800, HP:0007437. Disease mechanism: loss of function.

Submissions (2):

Myriad Genetics, Inc.
Classification: Benign for Hereditary leiomyomatosis and renal cell cancer. Last evaluated: 2024-10-21. Review status: criteria provided, single submitter. Criteria: Myriad Autosomal Dominant, Autosomal Recessive and X-Linked Classification Criteria (2023). Collection method: clinical testing. Allele origin: unknown.
Comment: This variant is considered benign. This variant is a silent/synonymous amino acid change and it is not expected to impact splicing.

Labcorp Genetics (formerly Invitae), Labcorp
Classification: Likely benign. Last evaluated: 2023-09-27. Review status: criteria provided, single submitter. Criteria: Invitae Variant Classification Sherloc (09022015). Collection method: clinical testing. Allele origin: germline.

NM_000143.4(FH):c.1134A>G (p.Glu378=)

Gene: FH (fumarate hydratase; minus strand). Cytogenetic location: 1q43.
Variant type: single nucleotide variant.
Coding change: c.1134A>G on transcript NM_000143.4 (MANE Select); coding-DNA position 1134, A replaced by G.
Protein change: p.Glu378=; no amino-acid change (glutamic acid 378 retained).
Molecular consequence: synonymous variant.
Genome position (GRCh38, 1-based): chr1:241,502,545, T>C on the plus strand (A>G on the coding strand, the complement: FH is on the minus strand). VCF-style: chr1-241502545-T-C. GRCh37 (hg19) VCF-style: chr1-241665845-T-C.
Identifiers: ClinVar variation 2763540 (VCV002763540.4), dbSNP rs2527316760, ClinGen allele CA424075709.